The following is an entry in ClinVar:

ClinVar aggregate classification (germline): Uncertain significance (1 of 4 stars; one submission).

Allele frequency attached by ClinVar (database versions not stated): ExAC 0.00001; gnomAD 0.00001; TOPMed 0.00001; gnomAD exomes 0.00003.
gnomAD v4.1: 32 of 1,614,074 alleles (0.002%); highest among the groups gnomAD compares: Middle Eastern, 0.033%; no homozygotes.

Submission:

Labcorp Genetics (formerly Invitae), Labcorp
Classification: Uncertain significance. Last evaluated: 2025-04-08. Review status: criteria provided, single submitter. Criteria: Invitae Variant Classification Sherloc (09022015). Collection method: clinical testing. Allele origin: germline.
Comment: This sequence change replaces valine, which is neutral and non-polar, with methionine, which is neutral and non-polar, at codon 81 of the ARHGEF1 protein (p.Val81Met). This variant is present in population databases (rs200954009, gnomAD 0.006%). This variant has not been reported in the literature in individuals affected with ARHGEF1-related conditions. ClinVar contains an entry for this variant (Variation ID: 1381541). An algorithm developed to predict the effect of missense changes on protein structure and function (PolyPhen-2) suggests that this variant is likely to be disruptive. In summary, the available evidence is currently insufficient to determine the role of this variant in disease. Therefore, it has been classified as a Variant of Uncertain Significance.

NM_004706.4(ARHGEF1):c.196G>A (p.Val66Met)

Gene: ARHGEF1 (Rho guanine nucleotide exchange factor 1; plus strand). Cytogenetic location: 19q13.2.
Variant type: single nucleotide variant.
Coding change: c.196G>A on transcript NM_004706.4 (MANE Select); coding-DNA position 196, G replaced by A.
Protein change: p.Val66Met; replaces valine 66 with methionine.
Molecular consequence: missense variant.
Genome position (GRCh38, 1-based): chr19:41,888,836, G>A. VCF-style: chr19-41888836-G-A. GRCh37 (hg19) VCF-style: chr19-42392907-G-A.
Other names: c.196G>A, p.Val66Met (NM_198977.2); c.241G>A, p.Val81Met (NM_199002.2); short protein forms V81M, V66M.
Identifiers: ClinVar variation 1381541 (VCV001381541.8), dbSNP rs200954009, ClinGen allele CA9465813.